The following is an entry in ClinVar:

NM_001845.6(COL4A1):c.501C>T (p.Pro167=)

Gene: COL4A1 (collagen type IV alpha 1 chain; minus strand). Cytogenetic location: 13q34.
Variant type: single nucleotide variant.
Coding change: c.501C>T on transcript NM_001845.6 (MANE Select); coding-DNA position 501, C replaced by T.
Protein change: p.Pro167=; no amino-acid change (proline 167 retained).
Molecular consequence: synonymous variant.
Genome position (GRCh38, 1-based): chr13:110,210,180, G>A on the plus strand (C>T on the coding strand, the complement: COL4A1 is on the minus strand). VCF-style: chr13-110210180-G-A. GRCh37 (hg19) VCF-style: chr13-110862527-G-A.
Other names: p.Pro167=; c.501C>T, p.Pro167= (NM_001303110.2).
Identifiers: ClinVar variation 311077 (VCV000311077.26), dbSNP rs16975612, ClinGen allele CA7048473.

ClinVar aggregate classification (germline): Benign/Likely benign. Review status: criteria provided, multiple submitters, no conflicts (2 of 4 stars). 10 submissions from 9 submitters: Benign (6); Likely benign (2). 2 of the submissions do not count toward it. Last evaluated 2026-02-02.

Conditions:
Autosomal dominant familial hematuria-retinal arteriolar tortuosity-contractures syndrome. Also called: Hereditary Angiopathy with Nephropathy, Aneurysms, and Muscle Cramps (HANAC) Syndrome; Angiopathy, hereditary, with nephropathy, aneurysms, and muscle cramps. Identifiers: Orphanet 73229, MedGen C2673195, MONDO:0012726, OMIM 611773.
Brain small vessel disease 1 with or without ocular anomalies (BSVD1). Also called: PORENCEPHALY, TYPE 1, AUTOSOMAL DOMINANT; Brain small vessel disease with or without ocular anomalies; GOULD SYNDROME 1; BRAIN SMALL VESSEL DISEASE WITH HEMORRHAGE. Identifiers: Orphanet 2940, Orphanet 36383, Orphanet 99810, MedGen C4755307, MONDO:0008289, OMIM 175780.

Allele frequency attached by ClinVar (database versions not stated): gnomAD exomes 0.00146 and 0.00402; ExAC 0.00480; gnomAD 0.01589 and 0.01708; TOPMed 0.01687; 1000 Genomes Project 0.01717; 1000 Genomes Project 30x 0.01749; ESP Exome Variant Server 0.01799.
gnomAD v4.1: 4,678 of 1,613,828 alleles (0.29%); highest among the groups gnomAD compares: African/African-American, 5.4%; 118 homozygotes.

Submissions (10):

Labcorp Genetics (formerly Invitae), Labcorp
Classification: Benign. Last evaluated: 2026-02-02. Review status: criteria provided, single submitter. Criteria: Invitae Variant Classification Sherloc (09022015). Collection method: clinical testing. Allele origin: germline.

Blueprint Genetics
Classification: Likely benign. Last evaluated: 2024-11-26. Review status: criteria provided, single submitter. Criteria: ACMG Guidelines, 2015. Collection method: clinical testing. Allele origin: germline.

Mayo Clinic Laboratories, Mayo Clinic
Classification: Benign. Last evaluated: 2023-08-26. Review status: criteria provided, single submitter. Criteria: ACMG Guidelines, 2015. Collection method: clinical testing. Allele origin: germline. Observed: 28 variant alleles.

GeneDx
Classification: Benign. Last evaluated: 2018-07-09. Review status: criteria provided, single submitter. Criteria: GeneDx Variant Classification Process June 2021. Collection method: clinical testing. Allele origin: germline. Affected: yes.

Illumina Laboratory Services, Illumina
Classification: Benign for Autosomal dominant familial hematuria-retinal arteriolar tortuosity-contractures syndrome. Last evaluated: 2018-01-13. Review status: criteria provided, single submitter. Criteria: ICSL Variant Classification Criteria 13 December 2019. Collection method: clinical testing. Allele origin: germline.
Comment: This variant was observed in the ICSL laboratory as part of a predisposition screen in an ostensibly healthy population. It had not been previously curated by ICSL or reported in the Human Gene Mutation Database (HGMD: prior to June 1st, 2018), and was therefore a candidate for classification through an automated scoring system. Utilizing variant allele frequency, disease prevalence and penetrance estimates, and inheritance mode, an automated score was calculated to assess if this variant is too frequent to cause the disease. Based on the score and internal cut-off values, a variant classified as benign is not then subjected to further curation. The score for this variant resulted in a classification of benign for this disease.

Illumina Laboratory Services, Illumina
Classification: Benign for Brain small vessel disease 1 with or without ocular anomalies. Last evaluated: 2018-01-13. Review status: criteria provided, single submitter. Criteria: ICSL Variant Classification Criteria 13 December 2019. Collection method: clinical testing. Allele origin: germline.
Comment: the same text as in the submission from Illumina Laboratory Services, Illumina above.

Athena Diagnostics
Classification: Benign for Brain small vessel disease 1 with or without ocular anomalies. Last evaluated: 2017-06-01. Review status: criteria provided, single submitter. Criteria: Athena Diagnostics Criteria. Collection method: clinical testing. Allele origin: germline.

Breakthrough Genomics
Classification: Likely benign. Review status: criteria provided, single submitter. Criteria: ACMG Guidelines, 2015. Collection method: not provided. Allele origin: germline. Inheritance: Autosomal dominant inheritance. Affected: yes.

Clinical Genetics DNA and cytogenetics Diagnostics Lab, Erasmus MC, Erasmus Medical Center
Classification: Benign. Review status: no assertion criteria provided. Collection method: clinical testing. Allele origin: germline. Affected: yes. Study: VKGL Data-share Consensus. Not counted in ClinVar's aggregate classification.

Laboratory of Diagnostic Genome Analysis, Leiden University Medical Center (LUMC)
Classification: Likely benign. Review status: no assertion criteria provided. Collection method: clinical testing. Allele origin: germline. Affected: yes. Study: VKGL Data-share Consensus. Not counted in ClinVar's aggregate classification.